The following is an entry in ClinVar:

NM_001145308.5(LRTOMT):c.249C>G (p.Phe83Leu)

Genes: LRTOMT (leucine rich transmembrane and O-methyltransferase domain containing; plus strand), TOMT (transmembrane O-methyltransferase; plus strand). Cytogenetic location: 11q13.4.
Variant type: single nucleotide variant.
Coding change: c.249C>G on transcript NM_001145308.5; coding-DNA position 249, C replaced by G.
Protein change: p.Phe83Leu; replaces phenylalanine 83 with leucine.
Molecular consequence: missense variant.
Genome position (GRCh38, 1-based): chr11:72,106,101, C>G. VCF-style: chr11-72106101-C-G. GRCh37 (hg19) VCF-style: chr11-71817147-C-G.
Other names: c.249C>G (NM_001145308.4); c.249C>G, p.Phe83Leu (NM_001145309.4); c.129C>G, p.Phe43Leu (NM_001145310.4); short protein forms F43L, F83L.
Identifiers: ClinVar variation 1064902 (VCV001064902.9), dbSNP rs746981074, ClinGen allele CA6168583.
Genomic context (GRCh38, chr11:72,106,101, plus strand): 5'-GGTCTTGCTGCGAAGCCTCCGAGACTGCCTGTCAGGGCTGCGGATCGAGGAGCGGGCCTT[C>G]AGCTACGTGCTCACCCATGCCCTGCCCGGTGACCCTGGTCACATCCTCACCACCCTGGAC-3'

ClinVar aggregate classification (germline): Uncertain significance. Review status: criteria provided, multiple submitters, no conflicts (2 of 4 stars). 3 submissions from 3 submitters: Uncertain significance (3). Last evaluated 2024-09-13.

Conditions:
Hearing impairment. Also called: Impaired Hearing. Identifiers: MedGen C1384666, MONDO:0005365, HP:0000365.

Allele frequency attached by ClinVar (database versions not stated): gnomAD 0.00001; TOPMed 0.00001; gnomAD exomes 0.00003; ExAC 0.00005.
gnomAD v4.1: 23 of 1,548,976 alleles (0.0015%); highest among the groups gnomAD compares: Non-Finnish European, 0.0015%; no homozygotes.

Submissions (3):

GeneDx
Classification: Uncertain significance. Last evaluated: 2024-09-13. Review status: criteria provided, single submitter. Criteria: GeneDx Variant Classification Process June 2021. Collection method: clinical testing. Allele origin: germline. Affected: yes.
Comment: Reported in association with prelingual hearing loss in published literature (PMID: 27260575); however, patient clinical information was not provided; In silico analysis indicates that this missense variant does not alter protein structure/function; This variant is associated with the following publications: (PMID: 27260575)

Labcorp Genetics (formerly Invitae), Labcorp
Classification: Uncertain significance. Last evaluated: 2022-10-05. Review status: criteria provided, single submitter. Criteria: Invitae Variant Classification Sherloc (09022015). Collection method: clinical testing. Allele origin: germline.
Comment: This variant is present in population databases (rs746981074, gnomAD 0.01%). This sequence change replaces phenylalanine, which is neutral and non-polar, with leucine, which is neutral and non-polar, at codon 83 of the LRTOMT protein (p.Phe83Leu). This missense change has been observed in individual(s) with clinical features of nonsyndromic deafness although a second variant was not observed (PMID: 27260575). ClinVar contains an entry for this variant (Variation ID: 1064902). Advanced modeling of protein sequence and biophysical properties (such as structural, functional, and spatial information, amino acid conservation, physicochemical variation, residue mobility, and thermodynamic stability) performed at Invitae indicates that this missense variant is not expected to disrupt LRTOMT protein function. In summary, the available evidence is currently insufficient to determine the role of this variant in disease. Therefore, it has been classified as a Variant of Uncertain Significance.

Department of Otolaryngology – Head & Neck Surgery, Cochlear Implant Center
Classification: Uncertain significance for Hearing impairment. Last evaluated: 2021-04-12. Review status: criteria provided, single submitter. Criteria: ClinGen HL ACMG Specifications v1. Collection method: clinical testing. Allele origin: germline. Affected: yes.
Comment: PM2_Moderate, PP3_Supporting

Literature cited by the submitters: PubMed 27260575 (cited by Labcorp Genetics (formerly Invitae), Labcorp).